The following is an entry in ClinVar:

NM_001270974.2(HYDIN):c.9214T>C (p.Leu3072=)

Gene: HYDIN (HYDIN axonemal central pair apparatus protein; minus strand). Cytogenetic location: 16q22.2.
Variant type: single nucleotide variant.
Coding change: c.9214T>C on transcript NM_001270974.2 (MANE Select); coding-DNA position 9214, T replaced by C.
Protein change: p.Leu3072=; no amino-acid change (leucine 3072 retained).
Molecular consequence: synonymous variant.
Genome position (GRCh38, 1-based): chr16:70,894,483, A>G on the plus strand (T>C on the coding strand, the complement: HYDIN is on the minus strand). VCF-style: chr16-70894483-A-G. GRCh37 (hg19) VCF-style: chr16-70928386-A-G.
Identifiers: ClinVar variation 4821167 (VCV004821167.5).

ClinVar aggregate classification (germline): Likely benign. Review status: criteria provided, multiple submitters, no conflicts (2 of 4 stars). 2 submissions from 2 submitters: Likely benign (2). Last evaluated 2026-01-01.

Submissions (2):

CeGaT Center for Human Genetics Tuebingen
Classification: Likely benign. Last evaluated: 2026-01-01. Review status: criteria provided, single submitter. Criteria: CeGaT Center For Human Genetics Tuebingen Variant Classification Criteria Version 2. Collection method: clinical testing. Allele origin: germline. Affected: yes. Observed: 1 variant allele.
Comment: HYDIN: BP4, BP7

Blueprint Genetics
Classification: Likely benign. Last evaluated: 2024-11-27. Review status: criteria provided, single submitter. Criteria: ACMG Guidelines, 2015. Collection method: clinical testing. Allele origin: germline.